The following is an entry in ClinVar:

ClinVar aggregate classification (germline): Likely pathogenic (0 of 4 stars; one submission).

Conditions:
Marfan syndrome (MFS). Also called: MARFAN SYNDROME, TYPE I; FBN1-Related Marfan Syndrome; Marfan syndrome type 1; Marfan's syndrome; Marfan syndrome, classic. Identifiers: Orphanet 284963, Orphanet 558, MedGen C0024796, MONDO:0007947, OMIM 154700.

Submission:

deCODE genetics, Amgen
Classification: Likely pathogenic for Marfan syndrome. Last evaluated: 2023-07-21. Review status: no assertion criteria provided. Collection method: research. Allele origin: germline. Affected: yes. Observed: 1 variant allele.
Comment: The variant NM_000138.5:c.3007G>T (chr15:48489926) in FBN1 was detected in 1 heterozygote out of 58K WGS Icelanders (MAF= 0,001%). This variant has not been reported in ClinVar previously. Based on ACMG criteria (PVS1, PM2) this variant classifies as likely pathogenic.

NM_000138.5(FBN1):c.3007G>T (p.Glu1003Ter)

Gene: FBN1 (fibrillin 1; minus strand). Cytogenetic location: 15q21.1.
Variant type: single nucleotide variant.
Coding change: c.3007G>T on transcript NM_000138.5 (MANE Select); coding-DNA position 3007, G replaced by T.
Protein change: p.Glu1003Ter; replaces glutamic acid 1003 with a stop codon.
Molecular consequence: nonsense.
Genome position (GRCh38, 1-based): chr15:48,489,926, C>A on the plus strand (G>T on the coding strand, the complement: FBN1 is on the minus strand). VCF-style: chr15-48489926-C-A. GRCh37 (hg19) VCF-style: chr15-48782123-C-A.
Other names: c.3007G>T, p.Glu1003Ter (NM_001406716.1); short protein forms E1003*.
Identifiers: ClinVar variation 2574100 (VCV002574100.1), dbSNP rs2505557918, ClinGen allele CA392329077.